The following is an entry in ClinVar:

ClinVar aggregate classification (germline): Pathogenic/Likely pathogenic. Review status: criteria provided, multiple submitters, no conflicts (2 of 4 stars). 4 submissions from 4 submitters: Pathogenic (3); Likely pathogenic (1). Last evaluated 2025-07-10.

Conditions:
NF1-related disorder. Also called: NF1-related condition. Identifiers: MedGen CN379171.
Cardiovascular phenotype. Identifiers: MedGen CN230736.
Hereditary cancer-predisposing syndrome. Also called: Neoplastic Syndromes, Hereditary; Tumor predisposition; Hereditary Cancer Syndrome; Hereditary neoplastic syndrome. Identifiers: Orphanet 140162, MedGen C0027672, MeSH D009386, MONDO:0015356.
Neurofibromatosis, type 1 (NF1). Also called: VON RECKLINGHAUSEN DISEASE; NEUROFIBROMATOSIS, TYPE I, SOMATIC; Peripheral type neurofibromatosis; Neurofibromatosis, type I. Identifiers: Orphanet 636, MedGen C0027831, MONDO:0018975, OMIM 162200. Disease mechanism: loss of function.

Submissions (4):

Institute of Human Genetics, FAU Erlangen, Friedrich-Alexander-Universität Erlangen-Nürnberg
Classification: Pathogenic. Last evaluated: 2025-07-10. Review status: criteria provided, single submitter. Criteria: Hauer et al. (Genet Med. 2018). Collection method: clinical testing. Allele origin: germline. Inheritance: Autosomal dominant inheritance. Affected: yes. Observed: 1 variant allele.
Comment: This variant has been identified by standard clinical testing.

Ambry Genetics
Classification: Likely pathogenic for Cardiovascular phenotype; Hereditary cancer-predisposing syndrome. Last evaluated: 2025-04-02. Review status: criteria provided, single submitter. Criteria: Ambry Variant Classification Scheme 2023. Collection method: clinical testing. Allele origin: germline.
Comment: The c.1641+1G>T intronic variant results from a G to T substitution one nucleotide after coding exon 14 of the NF1 gene. Alterations that disrupt the canonical splice site are expected to result in aberrant splicing. In silico splice site analysis predicts that this alteration will weaken the native splice donor site. A resulting transcript is predicted to be in-frame and is not expected to trigger nonsense-mediated mRNAdecay; although, direct evidence is unavailable. However, the region predicted to be impacted is critical for protein function (Ambry internal data). This alteration was identified in 1 individual(s) from a cohort of 521 German and Turkish patients with a clinical diagnosis of neurofibromatosis type I (Fahsold R et al. Am J Hum Genet, 2000 Mar;66:790-818). This variant is considered to be rare based on population cohorts in the Genome Aggregation Database (gnomAD). This nucleotide position is highly conserved in available vertebrate species. Based on the majority of available evidence to date, this variant is likely to be pathogenic.

Labcorp Genetics (formerly Invitae), Labcorp
Classification: Pathogenic for Neurofibromatosis, type 1. Last evaluated: 2023-04-08. Review status: criteria provided, single submitter. Criteria: Invitae Variant Classification Sherloc (09022015). Collection method: clinical testing. Allele origin: germline.
Comment: For these reasons, this variant has been classified as Pathogenic. Algorithms developed to predict the effect of sequence changes on RNA splicing suggest that this variant may disrupt the consensus splice site. ClinVar contains an entry for this variant (Variation ID: 2137964). Disruption of this splice site has been observed in individual(s) with neurofibromatosis type 1 (PMID: 10712197, 30308447). This variant is not present in population databases (gnomAD no frequency). This sequence change affects a donor splice site in intron 14 of the NF1 gene. It is expected to disrupt RNA splicing. Variants that disrupt the donor or acceptor splice site typically lead to a loss of protein function (PMID: 16199547), and loss-of-function variants in NF1 are known to be pathogenic (PMID: 10712197, 23913538).

Blueprint Genetics
Classification: Pathogenic for NF1-related disorders. Last evaluated: 2020-07-06. Review status: criteria provided, single submitter. Criteria: ACMG Guidelines, 2015. Collection method: clinical testing. Allele origin: germline. Affected: yes. Observed: 1 variant allele.

Literature cited by the submitters: PubMed 10712197 (cited by Ambry Genetics and Labcorp Genetics (formerly Invitae), Labcorp); PubMed 30308447 (cited by Labcorp Genetics (formerly Invitae), Labcorp); PubMed 16199547 (cited by Labcorp Genetics (formerly Invitae), Labcorp); PubMed 23913538 (cited by Labcorp Genetics (formerly Invitae), Labcorp).

NM_001042492.3(NF1):c.1641+1G>T

Gene: NF1 (neurofibromin 1; plus strand). Cytogenetic location: 17q11.2.
Variant type: single nucleotide variant.
Coding change: c.1641+1G>T on transcript NM_001042492.3 (MANE Select); the canonical splice donor site of the intron after coding-DNA position 1641, G replaced by T.
Molecular consequence: splice donor variant.
Genome position (GRCh38, 1-based): chr17:31,219,119, G>T. VCF-style: chr17-31219119-G-T. GRCh37 (hg19) VCF-style: chr17-29546137-G-T.
Other names: c.1641+1G>T (NM_000267.4, NM_001128147.3).
Identifiers: ClinVar variation 2137964 (VCV002137964.6), dbSNP rs1555612866, ClinGen allele CA399002196.